The following is an entry in ClinVar:

ClinVar aggregate classification (germline): Uncertain significance (1 of 4 stars; one submission).

Allele frequency attached by ClinVar (database versions not stated): gnomAD exomes below 0.00001; TOPMed 0.00001.
gnomAD v4.1: 1 of 1,612,616 alleles (0.000062%); highest among the groups gnomAD compares: Non-Finnish European, 0.000085%; no homozygotes.

Submission:

GeneDx
Classification: Uncertain significance. Last evaluated: 2019-03-11. Review status: criteria provided, single submitter. Criteria: GeneDx Variant Classification Process June 2021. Collection method: clinical testing. Allele origin: germline. Affected: yes.
Comment: Not observed in large population cohorts (Lek et al., 2016); Has not been previously published as pathogenic or benign to our knowledge; In silico analysis, which includes splice predictors and evolutionary conservation, suggests this variant may impact gene splicing. In the absence of RNA/functional studies, the actual effect of this sequence change is unknown.

NM_001267550.2(TTN):c.44685C>T (p.Ser14895=)

Gene: TTN (titin; minus strand). Cytogenetic location: 2q31.2.
Variant type: single nucleotide variant.
Coding change: c.44685C>T on transcript NM_001267550.2 (MANE Select); coding-DNA position 44685, C replaced by T.
Protein change: p.Ser14895=; no amino-acid change (serine 14895 retained).
Molecular consequence: synonymous variant.
Genome position (GRCh38, 1-based): chr2:178,624,595, G>A on the plus strand (C>T on the coding strand, the complement: TTN is on the minus strand). VCF-style: chr2-178624595-G-A. GRCh37 (hg19) VCF-style: chr2-179489322-G-A.
Other names: c.39762C>T, p.Ser13254= (NM_001256850.1); c.17490C>T, p.Ser5830= (NM_003319.4); c.36981C>T, p.Ser12327= (NM_133378.4); c.17865C>T, p.Ser5955= (NM_133432.3); c.18066C>T, p.Ser6022= (NM_133437.4).
Identifiers: ClinVar variation 1304094 (VCV001304094.2), dbSNP rs2058754993, ClinGen allele CA430276175.